The following is an entry in ClinVar:

NM_198578.4(LRRK2):c.1435A>G (p.Ile479Val)

Gene: LRRK2 (leucine rich repeat kinase 2; plus strand). Cytogenetic location: 12q12.
Variant type: single nucleotide variant.
Coding change: c.1435A>G on transcript NM_198578.4 (MANE Select); coding-DNA position 1435, A replaced by G.
Protein change: p.Ile479Val; replaces isoleucine 479 with valine.
Molecular consequence: missense variant.
Genome position (GRCh38, 1-based): chr12:40,259,496, A>G. VCF-style: chr12-40259496-A-G. GRCh37 (hg19) VCF-style: chr12-40653298-A-G.
Other names: short protein forms I479V.
Identifiers: ClinVar variation 3121142 (VCV003121142.3), dbSNP rs1384098520, ClinGen allele CA384411223.
Genomic context (GRCh38, chr12:40,259,496, plus strand): 5'-ATCAGATCAGTCTTTCAATAAGCATGCCAATTTTATATCCCCAGCAACACTTCCCTGGAT[A>G]TAATGGCAGCAGTGGTCCCCAAAATACTAACAGTTATGAAACGTCATGAGACATCATTAC-3'
Protein context (NP_940980.4, residues 469-489): LFEGSNTSLD[Ile479Val]MAAVVPKILT

ClinVar aggregate classification (germline): Uncertain significance. Review status: criteria provided, multiple submitters, no conflicts (2 of 4 stars). 2 submissions from 2 submitters: Uncertain significance (2). Last evaluated 2025-07-28.

Conditions:
Inborn genetic diseases. Identifiers: MedGen C0950123, MeSH D030342.

Allele frequency attached by ClinVar (database versions not stated): gnomAD exomes below 0.00001.
gnomAD v4.1: 3 of 1,613,332 alleles (0.00019%); highest among the groups gnomAD compares: Admixed American, 0.0033%; no homozygotes.

Submissions (2):

Dasa
Classification: Uncertain significance. Last evaluated: 2025-07-28. Review status: criteria provided, single submitter. Criteria: DASA Assertion Criteria. Collection method: clinical testing. Allele origin: germline.
Comment: NM_198578.4(LRRK2):c.1435A>G (p.Ile479Val) is a missense variant that results in the substitution of isoleucine with valine. This variant is rare in population databases. Computational prediction algorithms are consistent with a benign effect. The currently available literature and clinical evidence are not sufficient to establish a definitive association between this variant and the reported condition. Therefore, this variant is classified as a variant of uncertain significance.

Ambry Genetics
Classification: Uncertain significance for Inborn genetic diseases. Last evaluated: 2024-02-28. Review status: criteria provided, single submitter. Criteria: Ambry Variant Classification Scheme 2023. Collection method: clinical testing. Allele origin: germline.